The following is an entry in ClinVar:

NM_177438.3(DICER1):c.735-10T>C

Gene: DICER1 (dicer 1, ribonuclease III; minus strand). Cytogenetic location: 14q32.13.
Variant type: single nucleotide variant.
Coding change: c.735-10T>C on transcript NM_177438.3 (MANE Select); 10 bases into the intron before coding-DNA position 735, T replaced by C.
Molecular consequence: intron variant.
Genome position (GRCh38, 1-based): chr14:95,126,758, A>G on the plus strand (T>C on the coding strand, the complement: DICER1 is on the minus strand). VCF-style: chr14-95126758-A-G. GRCh37 (hg19) VCF-style: chr14-95593095-A-G.
Other names: c.735-10T>C (NM_001291628.2, NM_030621.4, NM_001395677.1 and 14 more transcripts); c.330-10T>C (NM_001395690.1, NM_001395687.1, NM_001395689.1 and 3 more transcripts); c.453-10T>C (NM_001395686.1); c.168-10T>C (NM_001395691.1); c.-834-10T>C (NM_001395697.1).
Identifiers: ClinVar variation 2119972 (VCV002119972.5), dbSNP rs1893499959, ClinGen allele CA2580089188.

ClinVar aggregate classification (germline): Likely benign. Review status: criteria provided, multiple submitters, no conflicts (2 of 4 stars). 2 submissions from 2 submitters: Likely benign (2). Last evaluated 2026-04-10.

Conditions:
DICER1-related tumor predisposition. Also called: DICER1-related pleuropulmonary blastoma cancer predisposition syndrome; DICER1 syndrome. Identifiers: Orphanet 284343, MedGen C3839822, MONDO:0100216.

Submissions (2):

Myriad Genetics, Inc.
Classification: Likely benign for DICER1-related tumor predisposition. Last evaluated: 2026-04-10. Review status: criteria provided, single submitter. Criteria: Myriad Autosomal Dominant, Autosomal Recessive and X-Linked Classification Criteria (2023). Collection method: clinical testing. Allele origin: unknown.
Comment: This variant is considered likely benign. This variant is intronic and is not expected to impact mRNA splicing.

Labcorp Genetics (formerly Invitae), Labcorp
Classification: Likely benign for DICER1-related tumor predisposition. Last evaluated: 2025-11-04. Review status: criteria provided, single submitter. Criteria: Invitae Variant Classification Sherloc (09022015). Collection method: clinical testing. Allele origin: germline.